The following is an entry in ClinVar:

ClinVar aggregate classification (germline): Uncertain significance. Review status: criteria provided, multiple submitters, no conflicts (2 of 4 stars). 2 submissions from 2 submitters: Uncertain significance (2). Last evaluated 2025-08-31.

Conditions:
Hereditary cancer-predisposing syndrome. Also called: Hereditary neoplastic syndrome; Tumor predisposition; Neoplastic Syndromes, Hereditary; Hereditary Cancer Syndrome. Identifiers: Orphanet 140162, MedGen C0027672, MeSH D009386, MONDO:0015356.

Submissions (2):

Ambry Genetics
Classification: Uncertain significance for Hereditary cancer-predisposing syndrome. Last evaluated: 2025-08-31. Review status: criteria provided, single submitter. Criteria: Ambry Variant Classification Scheme 2023. Collection method: clinical testing. Allele origin: germline.
Comment: The p.N2281T variant (also known as c.6842A>C), located in coding exon 49 of the POLE gene, results from an A to C substitution at nucleotide position 6842. The asparagine at codon 2281 is replaced by threonine, an amino acid with similar properties. This amino acid position is conserved. In addition, this alteration is predicted to be tolerated by in silico analysis. Based on the available evidence, the clinical significance of this variant remains unclear.

Labcorp Genetics (formerly Invitae), Labcorp
Classification: Uncertain significance. Last evaluated: 2025-06-02. Review status: criteria provided, single submitter. Criteria: Invitae Variant Classification Sherloc (09022015). Collection method: clinical testing. Allele origin: germline.
Comment: This sequence change replaces asparagine, which is neutral and polar, with threonine, which is neutral and polar, at codon 2281 of the POLE protein (p.Asn2281Thr). This variant is not present in population databases (gnomAD no frequency). This variant has not been reported in the literature in individuals affected with POLE-related conditions. ClinVar contains an entry for this variant (Variation ID: 656167). An algorithm developed to predict the effect of missense changes on protein structure and function outputs the following: PolyPhen-2: "Benign". The threonine amino acid residue is found in multiple mammalian species, which suggests that this missense change does not adversely affect protein function. In summary, the available evidence is currently insufficient to determine the role of this variant in disease. Therefore, it has been classified as a Variant of Uncertain Significance.

NM_006231.4(POLE):c.6842A>C (p.Asn2281Thr)

Gene: POLE (DNA polymerase epsilon, catalytic subunit; minus strand). Cytogenetic location: 12q24.33.
Variant type: single nucleotide variant.
Coding change: c.6842A>C on transcript NM_006231.4 (MANE Select); coding-DNA position 6842, A replaced by C.
Protein change: p.Asn2281Thr; replaces asparagine 2281 with threonine.
Molecular consequence: missense variant.
Genome position (GRCh38, 1-based): chr12:132,624,716, T>G on the plus strand (A>C on the coding strand, the complement: POLE is on the minus strand). VCF-style: chr12-132624716-T-G. GRCh37 (hg19) VCF-style: chr12-133201302-T-G.
Other names: c.6842A>C (NM_006231.2); short protein forms N2281T.
Identifiers: ClinVar variation 656167 (VCV000656167.9), dbSNP rs1593693355, ClinGen allele CA387365599.
Genomic context (GRCh38, chr12:132,624,716, plus strand): 5'-GGCCTGGCACGGACGCAGAGGCACCCGGGGCCCGGGGCTGGCTAATGGCCCAGCTGTGGG[T>G]TCTTCTGCAGCAGCCACTCCAGGGTCTCCAGGAGGTACGACATGCCGTAGTGCTGGGCAA-3'
Protein context (NP_006222.2, residues 2271-2286): LETLEWLLQK[Asn2281Thr]PQLGH